The following is an entry in ClinVar:

NM_001458.5(FLNC):c.2644G>A (p.Val882Met)

Gene: FLNC (filamin C; plus strand). Cytogenetic location: 7q32.1.
Variant type: single nucleotide variant.
Coding change: c.2644G>A on transcript NM_001458.5 (MANE Select); coding-DNA position 2644, G replaced by A.
Protein change: p.Val882Met; replaces valine 882 with methionine.
Molecular consequence: missense variant.
Genome position (GRCh38, 1-based): chr7:128,843,410, G>A. VCF-style: chr7-128843410-G-A. GRCh37 (hg19) VCF-style: chr7-128483464-G-A.
Other names: c.2644G>A, p.Val882Met (NM_001127487.2); short protein forms V882M.
Identifiers: ClinVar variation 2417052 (VCV002417052.4), dbSNP rs1239765370, ClinGen allele CA369192737.

ClinVar aggregate classification (germline): Uncertain significance (1 of 4 stars; one submission).

Conditions:
Myofibrillar myopathy 5. Also called: FILAMINOPATHY, AUTOSOMAL DOMINANT; Filaminopathy (type). Identifiers: Orphanet 171445, MedGen C1836050, MONDO:0012289, OMIM 609524.
Hypertrophic cardiomyopathy 26. Also called: Cardiomyopathy, familial hypertrophic, 26. Identifiers: Orphanet 75249, MedGen C4310749, MONDO:0014883, OMIM 617047.
Dilated Cardiomyopathy, Dominant.
Distal myopathy with posterior leg and anterior hand involvement. Also called: WILLIAMS DISTAL MYOPATHY. Identifiers: Orphanet 63273, MedGen C3279722, MONDO:0013550, OMIM 614065.

Allele frequency attached by ClinVar (database versions not stated): gnomAD exomes below 0.00001; TOPMed below 0.00001; gnomAD 0.00001.
gnomAD v4.1: 4 of 1,613,948 alleles (0.00025%); highest among the groups gnomAD compares: East Asian, 0.0022%; no homozygotes.

Submission:

Labcorp Genetics (formerly Invitae), Labcorp
Classification: Uncertain significance for Distal myopathy with posterior leg and anterior hand involvement; Myofibrillar myopathy 5; Hypertrophic cardiomyopathy 26. Last evaluated: 2021-09-24. Review status: criteria provided, single submitter. Criteria: Invitae Variant Classification Sherloc (09022015). Collection method: clinical testing. Allele origin: germline.
Comment: This sequence change replaces valine with methionine at codon 882 of the FLNC protein (p.Val882Met). The valine residue is moderately conserved and there is a small physicochemical difference between valine and methionine. This variant is not present in population databases (ExAC no frequency). This variant has not been reported in the literature in individuals affected with FLNC-related conditions. Algorithms developed to predict the effect of missense changes on protein structure and function are either unavailable or do not agree on the potential impact of this missense change (SIFT: "Deleterious"; PolyPhen-2: "Probably Damaging"; Align-GVGD: "Class C0"). In summary, the available evidence is currently insufficient to determine the role of this variant in disease. Therefore, it has been classified as a Variant of Uncertain Significance.